The following is an entry in ClinVar:

NM_001348716.2(KDM6B):c.1171C>T (p.Pro391Ser)

Gene: KDM6B (lysine demethylase 6B; plus strand). Cytogenetic location: 17p13.1.
Variant type: single nucleotide variant.
Coding change: c.1171C>T on transcript NM_001348716.2 (MANE Select); coding-DNA position 1171, C replaced by T.
Protein change: p.Pro391Ser; replaces proline 391 with serine.
Molecular consequence: missense variant.
Genome position (GRCh38, 1-based): chr17:7,847,366, C>T. VCF-style: chr17-7847366-C-T. GRCh37 (hg19) VCF-style: chr17-7750684-C-T.
Other names: c.1171C>T, p.Pro391Ser (NM_001080424.2); short protein forms P391S.
Identifiers: ClinVar variation 1313619 (VCV001313619.2), dbSNP rs2151376656, ClinGen allele CA397916187.

ClinVar aggregate classification (germline): Uncertain significance (1 of 4 stars; one submission).

gnomAD v4.1: 1 of 1,612,914 alleles (0.000062%); no homozygotes.

Submission:

GeneDx
Classification: Uncertain significance. Last evaluated: 2020-10-30. Review status: criteria provided, single submitter. Criteria: GeneDx Variant Classification Process June 2021. Collection method: clinical testing. Allele origin: germline. Affected: yes.
Comment: Not observed in large population cohorts (Lek et al., 2016); In silico analysis supports that this missense variant does not alter protein structure/function; Has not been previously published as pathogenic or benign to our knowledge